The following is an entry in ClinVar:

ClinVar aggregate classification (germline): Likely benign (1 of 4 stars; one submission).

Allele frequency attached by ClinVar (database versions not stated): TOPMed 0.00002.

Submission:

GeneDx
Classification: Likely benign. Last evaluated: 2017-02-08. Review status: criteria provided, single submitter. Criteria: GeneDx Variant Classification (06012015). Collection method: clinical testing. Allele origin: germline. Affected: yes.
Comment: This variant is considered likely benign or benign based on one or more of the following criteria: it is a conservative change, it occurs at a poorly conserved position in the protein, it is predicted to be benign by multiple in silico algorithms, and/or has population frequency not consistent with disease.

NM_007075.4(WDR45):c.-372T>C

Gene: WDR45 (WD repeat domain 45; minus strand). Cytogenetic location: Xp11.23.
Variant type: single nucleotide variant.
Coding change: c.-372T>C on transcript NM_007075.4; 372 bases upstream of the start codon, T replaced by C.
Molecular consequence: 5 prime UTR variant.
Genome position (GRCh38, 1-based): chrX:49,101,054, A>G on the plus strand (T>C on the coding strand, the complement: WDR45 is on the minus strand). VCF-style: chrX-49101054-A-G. GRCh37 (hg19) VCF-style: chrX-48957992-A-G.
Identifiers: ClinVar variation 516939 (VCV000516939.3), dbSNP rs1557088039, ClinGen allele CA658799738.